The following is an entry in ClinVar:

NM_000535.7(PMS2):c.164-9_178delinsGATCC

Gene: PMS2 (PMS1 homolog 2, mismatch repair system component; minus strand). Cytogenetic location: 7p22.1.
Variant type: Indel.
Coding change: c.164-9_178delinsGATCC on transcript NM_000535.7 (MANE Select); 9 bases into the intron before coding-DNA position 164 through coding-DNA position 178, ACTTTCTAGATCTAAAGCTTAAGG replaced by GATCC.
Molecular consequence: splice acceptor variant.
Genome position (GRCh38, 1-based): chr7:6,004,044-6,004,067, CCTTAAGCTTTAGATCTAGAAAGT replaced by GGATC on the plus strand (ACTTTCTAGATCTAAAGCTTAAGG replaced by GATCC on the coding strand, the reverse complement: PMS2 is on the minus strand). VCF-style: chr7-6004044-CCTTAAGCTTTAGATCTAGAAAGT-GGATC. GRCh37 (hg19) VCF-style: chr7-6043675-CCTTAAGCTTTAGATCTAGAAAGT-GGATC.
Other names: c.-52-9_-38delinsGATCC (NM_001322008.2, NM_001322007.2); c.-242-9_-228delinsGATCC (NM_001322010.2, NM_001322004.2, NM_001322013.2 and 3 more transcripts); c.-721-9_-707delinsGATCC (NM_001322012.2, NM_001322011.2); c.-321-9_-307delinsGATCC (NM_001322015.2); c.164-9_178delinsGATCC (NM_001322006.2, NM_001322014.2).
Identifiers: ClinVar variation 801243 (VCV000801243.6), dbSNP rs1583410952, ClinGen allele CA915944840.

ClinVar aggregate classification (germline): Likely pathogenic. Review status: criteria provided, multiple submitters, no conflicts (2 of 4 stars). 2 submissions from 2 submitters: Likely pathogenic (2). Last evaluated 2025-09-22.

Conditions:
Hereditary cancer-predisposing syndrome. Also called: Tumor predisposition; Neoplastic Syndromes, Hereditary; Hereditary Cancer Syndrome; Hereditary neoplastic syndrome. Identifiers: Orphanet 140162, MedGen C0027672, MeSH D009386, MONDO:0015356.

Submissions (2):

Ambry Genetics
Classification: Likely pathogenic for Hereditary cancer-predisposing syndrome. Last evaluated: 2025-09-22. Review status: criteria provided, single submitter. Criteria: Ambry Variant Classification Scheme 2023. Collection method: clinical testing. Allele origin: germline.
Comment: The c.164-9_178del24insGATCC variant spans the canonical acceptor site of coding exon 3 of the PMS2 gene. This variant results from a deletion of 24 nucleotides and insertion of GATCC nucleotides at positions c.164-9 to c.178. This variant has been identified in probands whose Lynch syndrome-associated tumor demonstrated loss of PMS2 expression by immunohistochemistry (Ambry internal data). The canonical acceptor site is highly conserved in available vertebrate species. In silico splice site analysis predicts that this alteration will weaken the native splice acceptor site and will result in the creation or strengthening of a novel splice acceptor site. RNA studies have demonstrated that this alteration results in abnormal splicing in the set of samples tested (Ambry internal data). Based on the majority of available evidence to date, this variant is likely to be pathogenic.

Quest Diagnostics Nichols Institute San Juan Capistrano
Classification: Likely pathogenic. Last evaluated: 2018-12-12. Review status: criteria provided, single submitter. Criteria: Quest Diagnostics criteria. Collection method: clinical testing. Allele origin: germline.
Comment: The variant may result in the deletion of at least one complete exon, and is therefore predicted to result in the loss of a functional protein. Not found in the total gnomAD dataset, and the data is high quality (0/279944 chr).